The following is an entry in ClinVar:

NM_001853.4(COL9A3):c.183G>A (p.Pro61=)

Gene: COL9A3 (collagen type IX alpha 3 chain; plus strand). Cytogenetic location: 20q13.33.
Variant type: single nucleotide variant.
Coding change: c.183G>A on transcript NM_001853.4 (MANE Select); coding-DNA position 183, G replaced by A.
Protein change: p.Pro61=; no amino-acid change (proline 61 retained).
Molecular consequence: synonymous variant.
Genome position (GRCh38, 1-based): chr20:62,818,553, G>A. VCF-style: chr20-62818553-G-A. GRCh37 (hg19) VCF-style: chr20-61449905-G-A.
Identifiers: ClinVar variation 1314100 (VCV001314100.10), dbSNP rs567371176, ClinGen allele CA9949044.
Genomic context (GRCh38, chr20:62,818,553, plus strand): 5'-TACATGTGGGTGTCTTTCCTCACAGGGAGAAGCTGGTCCTCCAGGTCTGCCTGGGCCCCC[G>A]GTGAGTGTCCCTGGCTGGGGAGACAGCCTTTTTCCAGTCTGGAGAGAAAGGGGGAACTCA-3'
Protein context (NP_001844.3, residues 51-71): EAGPPGLPGP[Pro61=]GPKGAPGKPG

ClinVar aggregate classification (germline): Uncertain significance. Review status: criteria provided, multiple submitters, no conflicts (2 of 4 stars). 3 submissions from 3 submitters: Uncertain significance (3). Last evaluated 2025-10-25.

Conditions:
COL9A3-related disorder. Also called: COL9A3-related condition.

gnomAD v4.1: 14 of 1,612,786 alleles (0.00087%); highest among the groups gnomAD compares: Admixed American, 0.005%; no homozygotes.

Submissions (3):

Labcorp Genetics (formerly Invitae), Labcorp
Classification: Uncertain significance. Last evaluated: 2025-10-25. Review status: criteria provided, single submitter. Criteria: Invitae Variant Classification Sherloc (09022015). Collection method: clinical testing. Allele origin: germline.
Comment: This sequence change affects codon 61 of the COL9A3 mRNA. It is a 'silent' change, meaning that it does not change the encoded amino acid sequence of the COL9A3 protein. This variant also falls at the last nucleotide of exon 3, which is part of the consensus splice site for this exon. This variant is present in population databases (rs567371176, gnomAD 0.007%). This variant has not been reported in the literature in individuals affected with COL9A3-related conditions. ClinVar contains an entry for this variant (Variation ID: 1314100). Variants that disrupt the consensus splice site are a relatively common cause of aberrant splicing (PMID: 17576681, 9536098). Algorithms developed to predict the effect of sequence changes on RNA splicing suggest that this variant may disrupt the consensus splice site. In summary, the available evidence is currently insufficient to determine the role of this variant in disease. Therefore, it has been classified as a Variant of Uncertain Significance.

PreventionGenetics, part of Exact Sciences
Classification: Uncertain significance for COL9A3-related condition. Last evaluated: 2023-05-25. Review status: criteria provided, single submitter. Criteria: ACMG Guidelines, 2015. Collection method: clinical testing. Allele origin: germline.
Comment: The COL9A3 c.183G>A variant is not predicted to result in an amino acid change (p.=). This variant affects the last nucleotide of exon 3 and is predicted to slightly weaken the adjacent canonical splice site (Alamut Visual Plus v1.6.1). To our knowledge, this variant has not been reported in the literature. This variant is reported in 0.0062% of alleles in individuals of African descent in gnomAD. At this time, the clinical significance of this variant is uncertain due to the absence of conclusive functional and genetic evidence.

GeneDx
Classification: Uncertain significance. Last evaluated: 2021-02-10. Review status: criteria provided, single submitter. Criteria: GeneDx Variant Classification Process June 2021. Collection method: clinical testing. Allele origin: germline. Affected: yes.
Comment: Has not been previously published as pathogenic or benign to our knowledge; Not observed at a significant frequency in large population cohorts (Lek et al., 2016); In-silico analysis, which includes splice predictors and evolutionary conservation, is inconclusive as to whether the variant alters gene splicing. In the absence of RNA/functional studies, the actual effect of this sequence change is unknown.

Literature cited by the submitters: PubMed 17576681 (cited by Labcorp Genetics (formerly Invitae), Labcorp); PubMed 9536098 (cited by Labcorp Genetics (formerly Invitae), Labcorp).